The following is an entry in ClinVar:

NM_000081.4(LYST):c.193-3T>C

Gene: LYST (lysosomal trafficking regulator; minus strand). Cytogenetic location: 1q42.3.
Variant type: single nucleotide variant.
Coding change: c.193-3T>C on transcript NM_000081.4 (MANE Select); 3 bases into the intron before coding-DNA position 193, T replaced by C.
Molecular consequence: intron variant.
Genome position (GRCh38, 1-based): chr1:235,813,064, A>G on the plus strand (T>C on the coding strand, the complement: LYST is on the minus strand). VCF-style: chr1-235813064-A-G. GRCh37 (hg19) VCF-style: chr1-235976364-A-G.
Other names: c.193-3T>C (NM_001301365.1).
Identifiers: ClinVar variation 876963 (VCV000876963.6), dbSNP rs762254340, ClinGen allele CA1467687.

ClinVar aggregate classification (germline): Uncertain significance. Review status: criteria provided, multiple submitters, no conflicts (2 of 4 stars). 2 submissions from 2 submitters: Uncertain significance (2). Last evaluated 2022-07-24.

Conditions:
Chédiak-Higashi syndrome (CHS). Also called: Chediak-Higashi Syndrome. Identifiers: Orphanet 167, MedGen C0007965, MONDO:0008963, OMIM 214500.

Allele frequency attached by ClinVar (database versions not stated): TOPMed below 0.00001; ExAC 0.00001; gnomAD exomes below 0.00001; gnomAD 0.00001.
gnomAD v4.1: 9 of 1,536,246 alleles (0.00059%); highest among the groups gnomAD compares: Non-Finnish European, 0.00009%; no homozygotes.

Submissions (2):

Labcorp Genetics (formerly Invitae), Labcorp
Classification: Uncertain significance for Chédiak-Higashi syndrome. Last evaluated: 2022-07-24. Review status: criteria provided, single submitter. Criteria: Invitae Variant Classification Sherloc (09022015). Collection method: clinical testing. Allele origin: germline.
Comment: This sequence change falls in intron 3 of the LYST gene. It does not directly change the encoded amino acid sequence of the LYST protein. It affects a nucleotide within the consensus splice site. This variant is present in population databases (rs762254340, gnomAD 0.01%). This variant has not been reported in the literature in individuals affected with LYST-related conditions. ClinVar contains an entry for this variant (Variation ID: 876963). Variants that disrupt the consensus splice site are a relatively common cause of aberrant splicing (PMID: 17576681, 9536098). Algorithms developed to predict the effect of sequence changes on RNA splicing suggest that this variant is not likely to affect RNA splicing. In summary, the available evidence is currently insufficient to determine the role of this variant in disease. Therefore, it has been classified as a Variant of Uncertain Significance.

Illumina Laboratory Services, Illumina
Classification: Uncertain significance for Chédiak-Higashi syndrome. Last evaluated: 2017-04-27. Review status: criteria provided, single submitter. Criteria: ICSL Variant Classification Criteria 13 December 2019. Collection method: clinical testing. Allele origin: germline.

Literature cited by the submitters: PubMed 17576681 (cited by Labcorp Genetics (formerly Invitae), Labcorp); PubMed 9536098 (cited by Labcorp Genetics (formerly Invitae), Labcorp).